The following is an entry in ClinVar:

ClinVar aggregate classification (germline): Uncertain significance (1 of 4 stars; one submission).

Conditions:
Zellweger spectrum disorders (ZS). Also called: Zellweger Spectrum Disorder; Zellweger Spectrum; Zellweger syndrome; Zellweger Spectrum Disorder (ZSD). Identifiers: Orphanet 912, MedGen C0043459, MONDO:0019609.

Allele frequency attached by ClinVar (database versions not stated): TOPMed below 0.00001; gnomAD 0.00001.
gnomAD v4.1: 3 of 1,611,978 alleles (0.00019%); highest among the groups gnomAD compares: African/African-American, 0.0013%; no homozygotes.

Submission:

Labcorp Genetics (formerly Invitae), Labcorp
Classification: Uncertain significance for Zellweger spectrum disorders. Last evaluated: 2021-09-01. Review status: criteria provided, single submitter. Criteria: Invitae Variant Classification Sherloc (09022015). Collection method: clinical testing. Allele origin: germline.
Comment: This sequence change replaces alanine with valine at codon 1237 of the PEX1 protein (p.Ala1237Val). The alanine residue is highly conserved and there is a small physicochemical difference between alanine and valine. This variant is not present in population databases (ExAC no frequency). This variant has not been reported in the literature in individuals affected with PEX1-related conditions. Algorithms developed to predict the effect of missense changes on protein structure and function are either unavailable or do not agree on the potential impact of this missense change (SIFT: "Tolerated"; PolyPhen-2: "Probably Damaging"; Align-GVGD: "Class C0"). In summary, the available evidence is currently insufficient to determine the role of this variant in disease. Therefore, it has been classified as a Variant of Uncertain Significance.

NM_000466.3(PEX1):c.3710C>T (p.Ala1237Val)

Genes: GATAD1 (GATA zinc finger domain containing 1; plus strand), PEX1 (peroxisomal biogenesis factor 1; minus strand). Cytogenetic location: 7q21.2.
Variant type: single nucleotide variant.
Coding change: c.3710C>T on transcript NM_000466.3 (MANE Select); coding-DNA position 3710, C replaced by T.
Protein change: p.Ala1237Val; replaces alanine 1237 with valine.
Molecular consequence: missense variant.
Genome position (GRCh38, 1-based): chr7:92,489,350, G>A on the plus strand (C>T on the coding strand, the complement: PEX1 is on the minus strand). VCF-style: chr7-92489350-G-A. GRCh37 (hg19) VCF-style: chr7-92118664-G-A.
Other names: c.3539C>T, p.Ala1180Val (NM_001282677.2); c.3086C>T, p.Ala1029Val (NM_001282678.2); short protein forms A1237V, A1029V, A1180V.
Identifiers: ClinVar variation 1428334 (VCV001428334.5), dbSNP rs1473858573, ClinGen allele CA368159540.